The following is an entry in ClinVar:

ClinVar aggregate classification (germline): Pathogenic (1 of 4 stars; one submission).

Conditions:
Meckel-Gruber syndrome. Also called: DYSENCEPHALIA SPLANCHNOCYSTICA; GRUBER SYNDROME; Dysencephalia splachnocystica. Identifiers: Orphanet 564, MedGen C0265215, MONDO:0018921.
Joubert syndrome. Also called: CEREBELLOPARENCHYMAL DISORDER IV; JOUBERT-BOLTSHAUSER SYNDROME; Familial aplasia of the vermis. Identifiers: Orphanet 475, MedGen C5979921, MONDO:0018772.

Submission:

Labcorp Genetics (formerly Invitae), Labcorp
Classification: Pathogenic for Joubert syndrome; Meckel-Gruber syndrome. Last evaluated: 2019-12-05. Review status: criteria provided, single submitter. Criteria: Invitae Variant Classification Sherloc (09022015). Collection method: clinical testing. Allele origin: germline.
Comment: For these reasons, this variant has been classified as Pathogenic. Loss-of-function variants in CC2D2A are known to be pathogenic (PMID: 19777577). This variant has not been reported in the literature in individuals with CC2D2A-related conditions. This variant is an out-of-frame deletion of the genomic region encompassing exon(s) 18 of the CC2D2A gene. This is expected to create a premature translational stop signal and result in an absent or disrupted protein product.

Literature cited by the submitters: PubMed 19777577.

NC_000004.12:g.(?_15540837)_(15541014_?)del

Gene: CC2D2A (coiled-coil and C2 domain containing 2A; plus strand). Cytogenetic location: 4p15.32.
Variant type: Deletion.
Identifiers: ClinVar variation 831556 (VCV000831556.3).